The following is an entry in ClinVar:

ClinVar aggregate classification (germline): Likely benign (1 of 4 stars; one submission).

Submission:

CeGaT Center for Human Genetics Tuebingen
Classification: Likely benign. Last evaluated: 2024-09-01. Review status: criteria provided, single submitter. Criteria: CeGaT Center For Human Genetics Tuebingen Variant Classification Criteria Version 2. Collection method: clinical testing. Allele origin: germline. Affected: yes. Observed: 2 variant alleles.
Comment: ARID1B: PM2:Supporting, BP4, BP7

NM_001374828.1(ARID1B):c.903C>G (p.Pro301=)

Genes: ARID1B (AT-rich interaction domain 1B; plus strand), LOC129997525 (ATAC-STARR-seq lymphoblastoid silent region 17712; plus strand). Cytogenetic location: 6q25.3.
Variant type: single nucleotide variant.
Coding change: c.903C>G on transcript NM_001374828.1 (MANE Select); coding-DNA position 903, C replaced by G.
Protein change: p.Pro301=; no amino-acid change (proline 301 retained).
Molecular consequence: synonymous variant.
Genome position (GRCh38, 1-based): chr6:156,778,583, C>G. VCF-style: chr6-156778583-C-G. GRCh37 (hg19) VCF-style: chr6-157099717-C-G.
Other names: c.654C>G, p.Pro218= (NM_001346813.1, NM_020732.3); c.903C>G, p.Pro301= (NM_001371656.1, NM_001374820.1, NM_017519.3); c.480C>G, p.Pro160= (NM_175863.2).
Identifiers: ClinVar variation 3239148 (VCV003239148.19), dbSNP rs1778866670.